The following is an entry in ClinVar:

ClinVar aggregate classification (germline): Uncertain significance (1 of 4 stars; one submission).

Conditions:
Hereditary leiomyomatosis and renal cell cancer. Also called: LEIOMYOMA, MULTIPLE CUTANEOUS; MULTIPLE CUTANEOUS AND UTERINE LEIOMYOMATA 1, WITH OR WITHOUT RENAL CELL CARCINOMA; Reed syndrome; Multiple cutaneous and uterine leiomyomatosis; Cutaneous leiomyomata with uterine leiomyomata; Leiomyoma, hereditary multiple, of skin. Identifiers: Orphanet 523, MedGen C1708350, MONDO:0007888, OMIM 150800, HP:0007437. Disease mechanism: loss of function.

Submission:

Genomic Diagnostic Laboratory, Division of Genomic Diagnostics, Children's Hospital of Philadelphia
Classification: Uncertain significance for Hereditary leiomyomatosis and renal cell cancer. Last evaluated: 2017-01-17. Review status: criteria provided, single submitter. Criteria: DGD Variant Analysis Guidelines. Collection method: clinical testing. Allele origin: germline. Affected: yes. Observed: 1 variant allele.
Comment: Clinical Testing

NM_000143.4(FH):c.395T>C (p.Leu132Ser)

Gene: FH (fumarate hydratase; minus strand). Cytogenetic location: 1q43.
Variant type: single nucleotide variant.
Coding change: c.395T>C on transcript NM_000143.4 (MANE Select); coding-DNA position 395, T replaced by C.
Protein change: p.Leu132Ser; replaces leucine 132 with serine.
Molecular consequence: missense variant.
Genome position (GRCh38, 1-based): chr1:241,512,127, A>G on the plus strand (T>C on the coding strand, the complement: FH is on the minus strand). VCF-style: chr1-241512127-A-G. GRCh37 (hg19) VCF-style: chr1-241675427-A-G.
Other names: short protein forms L132S.
Identifiers: ClinVar variation 393562 (VCV000393562.1), dbSNP rs1060499632, ClinGen allele CA16609375.
Genomic context (GRCh38, chr1:241,512,127, plus strand): 5'-TTCATATTTGTCTGAGTTCCTGATCCAGTCTGCCATACCACGAGAGGAAAATGATCATTT[A>G]ATTTACCTTCAGCTACCTGCAGAAAAAATGTTAAAAATGTATTTTAAAAAAGGAAATAAT-3'
Protein context (NP_000134.2, residues 122-142): KAADEVAEGK[Leu132Ser]NDHFPLVVWQ